The following is an entry in ClinVar:

ClinVar aggregate classification (germline): Likely pathogenic. Review status: criteria provided, multiple submitters, no conflicts (2 of 4 stars). 4 submissions from 4 submitters: Likely pathogenic (2). 2 of the submissions do not count toward it. Last evaluated 2020-05-22.

Conditions:
Intellectual developmental disorder, X-linked 108. Also called: MENTAL RETARDATION, X-LINKED 108. Identifiers: MedGen C5193009, MONDO:0026723, OMIM 301024.
SLC9A7-related neurodevelopmental disorder.

Submissions (4):

GeneDx
Classification: Likely pathogenic. Last evaluated: 2020-05-22. Review status: criteria provided, single submitter. Criteria: GeneDx Variant Classification Process June 2021. Collection method: clinical testing. Allele origin: germline. Affected: yes.
Comment: Published functional studies suggest a damaging effect impairing TGN pH homeostasis and glycosylation of exported cargo (Khayat et al., 2018); In silico analysis supports that this missense variant has a deleterious effect on protein structure/function; Not observed in large population cohorts (Lek et al., 2016); This variant is associated with the following publications: (PMID: 30335141)

SIB Swiss Institute of Bioinformatics
Classification: Likely pathogenic for Intellectual developmental disorder, X-linked 108. Last evaluated: 2019-07-22. Review status: criteria provided, single submitter. Criteria: ACMG Guidelines, 2015. Collection method: curation. Allele origin: unknown.
Comment: This variant is interpreted as a Likely pathogenic for Intellectual developmental disorder, X-linked 108. The following ACMG Tag(s) were applied: PM2, PS3-Moderate, PP1-Strong.

OMIM
Classification: Pathogenic for INTELLECTUAL DEVELOPMENTAL DISORDER, X-LINKED 108. Last evaluated: 2025-08-15. Review status: no assertion criteria provided. Collection method: literature only. Allele origin: germline. Not counted in ClinVar's aggregate classification.

Sydney Children's Hospital, SCHN
Classification: Likely pathogenic for SLC9A7-related neurodevelopmental disorder. Last evaluated: 2018-06-11. Review status: no assertion criteria provided. Collection method: research. Allele origin: germline. Affected: yes. Observed: 4 variant alleles. Not counted in ClinVar's aggregate classification.

Literature cited by the submitters: PubMed 30335141 (cited by SIB Swiss Institute of Bioinformatics and OMIM).

NM_001257291.2(SLC9A7):c.1543C>T (p.Leu515Phe)

Gene: SLC9A7 (solute carrier family 9 member A7; minus strand). Cytogenetic location: Xp11.3.
Variant type: single nucleotide variant.
Coding change: c.1543C>T on transcript NM_001257291.2 (MANE Select); coding-DNA position 1543, C replaced by T.
Protein change: p.Leu515Phe; replaces leucine 515 with phenylalanine.
Molecular consequence: missense variant.
Genome position (GRCh38, 1-based): chrX:46,643,309, G>A on the plus strand (C>T on the coding strand, the complement: SLC9A7 is on the minus strand). VCF-style: chrX-46643309-G-A. GRCh37 (hg19) VCF-style: chrX-46502744-G-A.
Other names: c.1540C>T, p.Leu514Phe (NM_032591.3); short protein forms L514F, L515F.
Identifiers: ClinVar variation 548948 (VCV000548948.7), dbSNP rs1569507511, ClinGen allele CA413034909.
Genomic context (GRCh38, chrX:46,643,309, plus strand): 5'-ATGACAACATGGGTGTCGTGCCTCCTCCAATGATCCAGACAGTGAAGAACACAATGAGAA[G>A]GGTGGTCGTGAACATCATCTGGCGAGCATAGGATGCCGTGTCACGGATGGCCAACGCAAA-3'
Protein context (NP_001244220.1, residues 505-525): YARQMMFTTT[Leu515Phe]LIVFFTVWII